The following is an entry in ClinVar:

NM_014244.5(ADAMTS2):c.2399_2415del (p.Glu800fs)

Gene: ADAMTS2 (ADAM metallopeptidase with thrombospondin type 1 motif 2; minus strand). Cytogenetic location: 5q35.3.
Variant type: Deletion.
Coding change: c.2399_2415del on transcript NM_014244.5 (MANE Select); coding-DNA positions 2399 to 2415, 17 bases deleted (AGGACGGCCGGGAGACG).
Protein change: p.Glu800fs; shifts the reading frame from glutamic acid 800.
Molecular consequence: frameshift variant.
Genome position (GRCh38, 1-based): chr5:179,129,974-179,129,990, CGTCTCCCGGCCGTCCT deleted on the plus strand (AGGACGGCCGGGAGACG on the coding strand, the reverse complement: ADAMTS2 is on the minus strand); deleting any 17 consecutive bases within chr5:179,129,974-179,129,996 gives the same sequence; the c. name uses the placement nearest the transcript's 3' end. VCF-style (leftmost placement, unchanged base first): chr5-179129973-GCGTCTCCCGGCCGTCCT-G. GRCh37 (hg19) VCF-style: chr5-178556974-GCGTCTCCCGGCCGTCCT-G.
Other names: short protein forms E800fs.
Identifiers: ClinVar variation 4066972 (VCV004066972.2).

ClinVar aggregate classification (germline): Likely pathogenic (1 of 4 stars; one submission).

Conditions:
Ehlers-Danlos syndrome, dermatosparaxis type. Also called: EDS VIIC; Dermatosparaxis; Ehlers-Danlos syndrome, type VII, autosomal recessive. Identifiers: Orphanet 1901, MedGen C2700425, MONDO:0009161, OMIM 225410.

Submission:

Natera, Inc.
Classification: Likely pathogenic for Ehlers-Danlos syndrome type VIIC. Last evaluated: 2025-03-19. Review status: criteria provided, single submitter. Criteria: Natera Variant Classification Schema (03/2026). Collection method: clinical testing. Allele origin: germline.
Comment: The c.2399_2415del variant in ADAMTS2 is a frameshift variant predicted to shift the reading frame beginning at codon 800 and leads to a stop codon 33 codons downstream. This variant is expected to result in nonsense mediated decay, truncation, or a dysfunctional protein product. This variant is rare in the general population with a frequency below the threshold expected for the associated phenotype(s). Given the available evidence, this variant is classified as Likely Pathogenic.